The following is an entry in ClinVar:

NM_014874.4(MFN2):c.254T>C (p.Val85Ala)

Gene: MFN2 (mitofusin 2; plus strand). Cytogenetic location: 1p36.22.
Variant type: single nucleotide variant.
Coding change: c.254T>C on transcript NM_014874.4 (MANE Select); coding-DNA position 254, T replaced by C.
Protein change: p.Val85Ala; replaces valine 85 with alanine.
Molecular consequence: missense variant.
Genome position (GRCh38, 1-based): chr1:11,992,633, T>C. VCF-style: chr1-11992633-T-C. GRCh37 (hg19) VCF-style: chr1-12052690-T-C.
Other names: c.254T>C, p.Val85Ala (NM_001127660.2); short protein forms V85A.
Identifiers: ClinVar variation 451403 (VCV000451403.2), dbSNP rs1553141664, ClinGen allele CA338462020.
Genomic context (GRCh38, chr1:11,992,633, plus strand): 5'-AACTGGACCCCGTTACCACAGAAGAACAGGTTCTGGACGTCAAAGGTTACCTATCCAAAG[T>C]GAGAGGCATCAGTGAGGTGCTGGCTCGGAGGCACATGAAAGTGGCTTTTTTTGGCCGGTA-3'
Protein context (NP_055689.1, residues 75-95): VLDVKGYLSK[Val85Ala]RGISEVLARR

ClinVar aggregate classification (germline): Uncertain significance (1 of 4 stars; one submission).

Submission:

GeneDx
Classification: Uncertain significance. Last evaluated: 2017-08-15. Review status: criteria provided, single submitter. Criteria: GeneDx Variant Classification (06012015). Collection method: clinical testing. Allele origin: germline. Affected: yes.
Comment: The V85A variant in the MFN2 gene has not been reported previously as a pathogenic variant, nor as a benign variant, to our knowledge. The V85A variant is not observed in large population cohorts (Lek et al., 2016; 1000 Genomes Consortium et al., 2015; Exome Variant Server). The V85A variant is a conservative amino acid substitution, which is not likely to impact secondary protein structure as these residues share similar properties. This substitution occurs at a position that is conserved across species. In silico analysis predicts this variant is probably damaging to the protein structure/function. We interpret V85A as a variant of uncertain significance.